The following is an entry in ClinVar:

ClinVar aggregate classification (germline): Uncertain significance. Review status: criteria provided, multiple submitters, no conflicts (2 of 4 stars). 3 submissions from 3 submitters: Uncertain significance (3). Last evaluated 2025-06-26.

Conditions:
UBE3A-related disorder. Also called: UBE3A-related condition.
Angelman syndrome (AS). Also called: HAPPY PUPPET SYNDROME. Identifiers: Orphanet 72, MedGen C0162635, MONDO:0007113, OMIM 105830. Disease mechanism: loss of function. Inheritance: AS is caused by disruption of maternally imprinted UBE3A located within the 15q11.2-q13 Angelman syndrome/Prader-Willi syndrome (AS/PWS) region., imprinting disorder.

Allele frequency attached by ClinVar (database versions not stated): gnomAD exomes below 0.00001 and 0.00001; TOPMed 0.00001; gnomAD 0.00002 and 0.00003; ExAC 0.00003; ESP Exome Variant Server 0.00008; 1000 Genomes Project 0.00020; 1000 Genomes Project 30x 0.00031.
gnomAD v4.1: 8 of 1,614,118 alleles (0.0005%); highest among the groups gnomAD compares: Non-Finnish European, 0.00068%; no homozygotes.

Submissions (3):

PreventionGenetics, part of Exact Sciences
Classification: Uncertain significance for UBE3A-related condition. Last evaluated: 2025-06-26. Review status: criteria provided, single submitter. Criteria: ACMG Guidelines, 2015. Collection method: clinical testing. Allele origin: germline.
Comment: The UBE3A c.451A>T variant is predicted to result in the amino acid substitution p.Thr151Ser. To our knowledge, this variant has not been reported in the literature. This variant is reported in 0.0026% of alleles in individuals of European (Non-Finnish) descent in gnomAD. This variant has an interpretation of uncertain significance in ClinVar. At this time, the clinical significance of this variant is uncertain due to the absence of conclusive functional and genetic evidence.

Labcorp Genetics (formerly Invitae), Labcorp
Classification: Uncertain significance for Angelman syndrome. Last evaluated: 2025-03-09. Review status: criteria provided, single submitter. Criteria: Invitae Variant Classification Sherloc (09022015). Collection method: clinical testing. Allele origin: germline.
Comment: This sequence change replaces threonine, which is neutral and polar, with serine, which is neutral and polar, at codon 151 of the UBE3A protein (p.Thr151Ser). This variant is present in population databases (rs140245963, gnomAD 0.004%). This variant has not been reported in the literature in individuals affected with UBE3A-related conditions. ClinVar contains an entry for this variant (Variation ID: 1035320). Invitae Evidence Modeling of protein sequence and biophysical properties (such as structural, functional, and spatial information, amino acid conservation, physicochemical variation, residue mobility, and thermodynamic stability) indicates that this missense variant is not expected to disrupt UBE3A protein function with a negative predictive value of 80%. In summary, the available evidence is currently insufficient to determine the role of this variant in disease. Therefore, it has been classified as a Variant of Uncertain Significance.

GeneDx
Classification: Uncertain significance. Last evaluated: 2024-04-01. Review status: criteria provided, single submitter. Criteria: GeneDx Variant Classification Process June 2021. Collection method: clinical testing. Allele origin: germline. Affected: yes.
Comment: In silico analysis supports that this missense variant does not alter protein structure/function; Has not been previously published as pathogenic or benign to our knowledge

NM_130839.5(UBE3A):c.511A>T (p.Thr171Ser)

Genes: SNHG14 (small nucleolar RNA host gene 14; plus strand), UBE3A (ubiquitin protein ligase E3A; minus strand). Cytogenetic location: 15q11.2.
Variant type: single nucleotide variant.
Coding change: c.511A>T on transcript NM_130839.5 (MANE Select); coding-DNA position 511, A replaced by T.
Protein change: p.Thr171Ser; replaces threonine 171 with serine.
Molecular consequence: missense variant. On other transcripts: non-coding transcript variant (1), intron variant (2).
Genome position (GRCh38, 1-based): chr15:25,371,663, T>A on the plus strand (A>T on the coding strand, the complement: UBE3A is on the minus strand). VCF-style: chr15-25371663-T-A. GRCh37 (hg19) VCF-style: chr15-25616810-T-A.
Other names: c.520A>T, p.Thr174Ser (NM_000462.5); c.511A>T, p.Thr171Ser (NM_001354505.1, NM_001354538.2, NM_001354545.2); c.451A>T, p.Thr151Ser (NM_001354506.2, NM_001354507.2, NM_001354508.2 and 17 more transcripts); c.334A>T, p.Thr112Ser (NM_001354546.2); c.301+3802A>T (NM_001354551.2); c.361+3802A>T (NM_001354550.2); c.451A>T (NM_130838.1); short protein forms T112S, T151S, T174S, T171S.
Identifiers: ClinVar variation 1035320 (VCV001035320.10), dbSNP rs140245963, ClinGen allele CA7435625.